The following is an entry in ClinVar:

NM_001447.3(FAT2):c.12784C>T (p.Arg4262Cys)

Genes: FAT2 (FAT atypical cadherin 2; minus strand), SLC36A1 (solute carrier family 36 member 1; plus strand). Cytogenetic location: 5q33.1.
Variant type: single nucleotide variant.
Coding change: c.12784C>T on transcript NM_001447.3 (MANE Select); coding-DNA position 12784, C replaced by T.
Protein change: p.Arg4262Cys; replaces arginine 4262 with cysteine.
Molecular consequence: missense variant.
Genome position (GRCh38, 1-based): chr5:151,505,831, G>A on the plus strand (C>T on the coding strand, the complement: FAT2 is on the minus strand). VCF-style: chr5-151505831-G-A. GRCh37 (hg19) VCF-style: chr5-150885392-G-A.
Other names: short protein forms R4262C.
Identifiers: ClinVar variation 2106632 (VCV002106632.4), dbSNP rs763266607, ClinGen allele CA3519684.
Genomic context (GRCh38, chr5:151,505,831, plus strand): 5'-GGAACTGCGAGTGGTAGTAGCTGATGGCCGTGTACTCATTGAGACAGGGGGCAACCAGGC[G>A]CTCCCGGGGACTAGGGGGCCGAGAGGGCATCAGATCTTCCAGGTTCTGGTTGCTGTAACG-3'
Protein context (NP_001438.1, residues 4252-4272): MPSRPPSPRE[Arg4262Cys]LVAPCLNEYT

ClinVar aggregate classification (germline): Uncertain significance (1 of 4 stars; one submission).

Allele frequency attached by ClinVar (database versions not stated): TOPMed below 0.00001; gnomAD 0.00001; gnomAD exomes 0.00001; ExAC 0.00002.
gnomAD v4.1: 13 of 1,612,930 alleles (0.00081%); highest among the groups gnomAD compares: South Asian, 0.0044%; no homozygotes.

Submission:

Labcorp Genetics (formerly Invitae), Labcorp
Classification: Uncertain significance. Last evaluated: 2024-10-16. Review status: criteria provided, single submitter. Criteria: Invitae Variant Classification Sherloc (09022015). Collection method: clinical testing. Allele origin: germline.
Comment: This sequence change replaces arginine, which is basic and polar, with cysteine, which is neutral and slightly polar, at codon 4262 of the FAT2 protein (p.Arg4262Cys). This variant is present in population databases (rs763266607, gnomAD 0.003%). This variant has not been reported in the literature in individuals affected with FAT2-related conditions. ClinVar contains an entry for this variant (Variation ID: 2106632). An algorithm developed to predict the effect of missense changes on protein structure and function (PolyPhen-2) suggests that this variant is likely to be tolerated. In summary, the available evidence is currently insufficient to determine the role of this variant in disease. Therefore, it has been classified as a Variant of Uncertain Significance.